The following is an entry in ClinVar:

NM_000891.3(KCNJ2):c.500_514dup (p.Val167_Ile171dup)

Gene: KCNJ2 (potassium inwardly rectifying channel subfamily J member 2; plus strand). Cytogenetic location: 17q24.3.
Variant type: Duplication.
Coding change: c.500_514dup on transcript NM_000891.3 (MANE Select); coding-DNA positions 500 to 514, 15 bases duplicated (TGGGCTGCATCATCG).
Protein change: p.Val167_Ile171dup.
Molecular consequence: inframe insertion.
Genome position (GRCh38, 1-based): chr17:70,175,539-70,175,553, TGGGCTGCATCATCG duplicated; duplicating any 15 consecutive bases within chr17:70,175,535-70,175,553 gives the same sequence; the c. name uses the placement nearest the transcript's 3' end. VCF-style (leftmost placement, unchanged base first): chr17-70175534-A-AATCGTGGGCTGCATC. GRCh37 (hg19) VCF-style: chr17-68171675-A-AATCGTGGGCTGCATC.
Identifiers: ClinVar variation 1383075 (VCV001383075.6), dbSNP rs2144377032, ClinGen allele CA2573154860.

ClinVar aggregate classification (germline): Uncertain significance (1 of 4 stars; one submission).

Conditions:
Andersen Tawil syndrome (LQT7). Also called: Potassium-sensitive periodic paralysis, ventricular ectopy, and dysmorphic features; ANDERSEN CARDIODYSRHYTHMIC PERIODIC PARALYSIS; PERIODIC PARALYSIS, POTASSIUM-SENSITIVE CARDIODYSRHYTHMIC TYPE; Andersen Syndrome; LONG QT SYNDROME 7. Identifiers: Orphanet 37553, MedGen C1563715, MONDO:0008222, OMIM 170390.
Short QT syndrome type 3. Identifiers: Orphanet 51083, MedGen C1865018, MONDO:0012314, OMIM 609622.

Submission:

Labcorp Genetics (formerly Invitae), Labcorp
Classification: Uncertain significance for Short QT syndrome type 3; Andersen Tawil syndrome. Last evaluated: 2022-07-26. Review status: criteria provided, single submitter. Criteria: Invitae Variant Classification Sherloc (09022015). Collection method: clinical testing. Allele origin: germline.
Comment: In summary, the available evidence is currently insufficient to determine the role of this variant in disease. Therefore, it has been classified as a Variant of Uncertain Significance. Experimental studies and prediction algorithms are not available or were not evaluated, and the functional significance of this variant is currently unknown. ClinVar contains an entry for this variant (Variation ID: 1383075). This variant has not been reported in the literature in individuals affected with KCNJ2-related conditions. This variant is not present in population databases (gnomAD no frequency). This variant, c.500_514dup, results in the insertion of 5 amino acid(s) of the KCNJ2 protein (p.Val167_Ile171dup), but otherwise preserves the integrity of the reading frame.